The following is an entry in ClinVar:

NM_014921.5(ADGRL1):c.2296T>C (p.Ser766Pro)

Genes: ADGRL1 (adhesion G protein-coupled receptor L1; minus strand), ADGRL1-AS1 (ADGRL1 antisense RNA 1; plus strand). Cytogenetic location: 19p13.12.
Variant type: single nucleotide variant.
Coding change: c.2296T>C on transcript NM_014921.5 (MANE Select); coding-DNA position 2296, T replaced by C.
Protein change: p.Ser766Pro; replaces serine 766 with proline.
Molecular consequence: missense variant.
Genome position (GRCh38, 1-based): chr19:14,158,406, A>G on the plus strand (T>C on the coding strand, the complement: ADGRL1 is on the minus strand). VCF-style: chr19-14158406-A-G. GRCh37 (hg19) VCF-style: chr19-14269218-A-G.
Other names: c.2311T>C, p.Ser771Pro (NM_001008701.3); short protein forms S766P, S771P.
Identifiers: ClinVar variation 3344024 (VCV003344024.1).

ClinVar aggregate classification (germline): Uncertain significance (0 of 4 stars; one submission).

Conditions:
ADGRL1-related condition.

Submission:

PreventionGenetics, part of Exact Sciences
Classification: Uncertain significance for ADGRL1-related condition. Last evaluated: 2024-04-24. Review status: no assertion criteria provided. Collection method: clinical testing. Allele origin: germline.
Comment: The ADGRL1 c.2311T>C variant is predicted to result in the amino acid substitution p.Ser771Pro. To our knowledge, this variant has not been reported in the literature or in a large population database, indicating this variant is rare. At this time, the clinical significance of this variant is uncertain due to the absence of conclusive functional and genetic evidence.